The following is an entry in ClinVar:

NM_130837.3(OPA1):c.2787C>A (p.Cys929Ter)

Gene: OPA1 (OPA1 mitochondrial dynamin like GTPase; plus strand). Cytogenetic location: 3q29.
Variant type: single nucleotide variant.
Coding change: c.2787C>A on transcript NM_130837.3 (MANE Select); coding-DNA position 2787, C replaced by A.
Protein change: p.Cys929Ter; replaces cysteine 929 with a stop codon.
Molecular consequence: nonsense.
Genome position (GRCh38, 1-based): chr3:193,666,304, C>A. VCF-style: chr3-193666304-C-A. GRCh37 (hg19) VCF-style: chr3-193384093-C-A.
Other names: c.2253C>A, p.Cys751Ter (NM_001354663.2); c.2250C>A, p.Cys750Ter (NM_001354664.2); c.2622C>A, p.Cys874Ter (NM_015560.3); c.2514C>A, p.Cys838Ter (NM_130831.3); c.2568C>A, p.Cys856Ter (NM_130832.3); c.2625C>A, p.Cys875Ter (NM_130833.3); c.2676C>A, p.Cys892Ter (NM_130834.3); c.2679C>A, p.Cys893Ter (NM_130835.3); and 1 more; short protein forms C750*, C751*, C838*, C856*, C874*, C875*, C892*, C893*.
Identifiers: ClinVar variation 2684280 (VCV002684280.2), dbSNP rs1716527148, ClinGen allele CA355796132.

ClinVar aggregate classification (germline): Pathogenic/Likely pathogenic. Review status: criteria provided, multiple submitters, no conflicts (2 of 4 stars). 2 submissions from 2 submitters: Pathogenic (1); Likely pathogenic (1). Last evaluated 2022-11-07.

Conditions:
OPA1-related disorder. Also called: OPA1-related condition; OPA1-related disorders.

Submissions (2):

Athena Diagnostics
Classification: Pathogenic. Last evaluated: 2022-11-07. Review status: criteria provided, single submitter. Criteria: Athena Diagnostics Criteria. Collection method: clinical testing. Allele origin: unknown.
Comment: This variant is expected to result in the loss of a functional protein. This variant has been identified in at least one individual with clinical features associated with this gene. This variant has not been reported in large, multi-ethnic general populations.

Blueprint Genetics
Classification: Likely pathogenic for OPA1-related disorders. Last evaluated: 2021-07-06. Review status: criteria provided, single submitter. Criteria: ACMG Guidelines, 2015. Collection method: clinical testing. Allele origin: germline. Affected: yes. Observed: 1 variant allele.